The following is an entry in ClinVar:

ClinVar aggregate classification (germline): Uncertain significance (1 of 4 stars; one submission).

Submission:

GeneDx
Classification: Uncertain significance. Last evaluated: 2022-01-22. Review status: criteria provided, single submitter. Criteria: GeneDx Variant Classification Process June 2021. Collection method: clinical testing. Allele origin: germline. Affected: yes.
Comment: Not observed at significant frequency in large population cohorts (gnomAD); In silico analysis supports that this missense variant has a deleterious effect on protein structure/function; Has not been previously published as pathogenic or benign to our knowledge

NM_006767.4(LZTR1):c.1973A>C (p.Tyr658Ser)

Gene: LZTR1 (leucine zipper like post translational regulator 1; plus strand). Cytogenetic location: 22q11.21.
Variant type: single nucleotide variant.
Coding change: c.1973A>C on transcript NM_006767.4 (MANE Select); coding-DNA position 1973, A replaced by C.
Protein change: p.Tyr658Ser; replaces tyrosine 658 with serine.
Molecular consequence: missense variant.
Genome position (GRCh38, 1-based): chr22:20,995,776, A>C. VCF-style: chr22-20995776-A-C. GRCh37 (hg19) VCF-style: chr22-21350065-A-C.
Other names: short protein forms Y658S.
Identifiers: ClinVar variation 1698325 (VCV001698325.2), dbSNP rs1924814162, ClinGen allele CA410778986.